The following is an entry in ClinVar:

ClinVar aggregate classification (germline): Pathogenic (1 of 4 stars; one submission).

Submission:

Labcorp Genetics (formerly Invitae), Labcorp
Classification: Pathogenic. Last evaluated: 2023-08-16. Review status: criteria provided, single submitter. Criteria: Invitae Variant Classification Sherloc (09022015). Collection method: clinical testing. Allele origin: germline.
Comment: For these reasons, this variant has been classified as Pathogenic. This variant has not been reported in the literature in individuals affected with HPS1-related conditions. This variant is not present in population databases (gnomAD no frequency). This sequence change creates a premature translational stop signal (p.Gln271*) in the HPS1 gene. It is expected to result in an absent or disrupted protein product. Loss-of-function variants in HPS1 are known to be pathogenic (PMID: 12442288, 16185271).

Literature cited by the submitters: PubMed 12442288; PubMed 16185271.

NM_000195.5(HPS1):c.811C>T (p.Gln271Ter)

Gene: HPS1 (HPS1 biogenesis of lysosomal organelles complex 3 subunit 1; minus strand). Cytogenetic location: 10q24.2.
Variant type: single nucleotide variant.
Coding change: c.811C>T on transcript NM_000195.5 (MANE Select); coding-DNA position 811, C replaced by T.
Protein change: p.Gln271Ter; replaces glutamine 271 with a stop codon.
Molecular consequence: nonsense. On other transcripts: 5 prime UTR variant (1), synonymous variant (1), intron variant (8).
Genome position (GRCh38, 1-based): chr10:98,429,847, G>A on the plus strand (C>T on the coding strand, the complement: HPS1 is on the minus strand). VCF-style: chr10-98429847-G-A. GRCh37 (hg19) VCF-style: chr10-100189604-G-A.
Other names: c.811C>T, p.Gln271Ter (NM_001322476.2, NM_001322477.2, NM_182639.4); c.550C>T, p.Gln184Ter (NM_001322480.2, NM_001322481.2); c.442C>T, p.Gln148Ter (NM_001322483.2, NM_001322484.2); c.-162C>T (NM_001322487.2); c.693C>T, p.Cys231= (NM_001322490.2); c.769-205C>T (NM_001322478.2, NM_001322479.2, NM_001322491.2); c.400-205C>T (NM_001322485.2); c.508-205C>T (NM_001322482.2); and 2 more; short protein forms Q148*, Q184*, Q271*.
Identifiers: ClinVar variation 2956652 (VCV002956652.3), dbSNP rs2538904613, ClinGen allele CA378051600.
Genomic context (GRCh38, chr10:98,429,847, plus strand): 5'-ACACCGTCTCTGCAGAGCTCCCCCCAGTTGGGCCCGTGGAGTGAGGGCTCCAGGCCTGCT[G>A]CACGGGGATGTTCTGGCTGCTCCGGGCCCTCCGCGGGGAAGGCTGTGCAGGGCAGGGGAG-3'